The following is an entry in ClinVar:

ClinVar aggregate classification (germline): Pathogenic. Review status: criteria provided, multiple submitters, no conflicts (2 of 4 stars). 2 submissions from 2 submitters: Pathogenic (2). Last evaluated 2025-05-21.

Conditions:
Congenital lactic acidosis, Saguenay-Lac-Saint-Jean type (MC4DN5). Also called: CYTOCHROME c OXIDASE DEFICIENCY, FRENCH CANADIAN TYPE; COX DEFICIENCY, FRENCH CANADIAN TYPE; MITOCHONDRIAL COMPLEX IV DEFICIENCY, NUCLEAR TYPE 5. Identifiers: Orphanet 70472, MedGen C1857355, MONDO:0009069, OMIM 220111.

Submissions (2):

Myriad Genetics, Inc.
Classification: Pathogenic for Congenital lactic acidosis, Saguenay-Lac-Saint-Jean type. Last evaluated: 2025-05-21. Review status: criteria provided, single submitter. Criteria: Myriad Autosomal Dominant, Autosomal Recessive and X-Linked Classification Criteria (2023). Collection method: clinical testing. Allele origin: unknown.
Comment: NM_133259.3(LRPPRC):c.3397C>T(Q1133*) is expected to be pathogenic in the context of Leigh syndrome, French-Canadian type. This variant is predicted to lead to an abnormal or absent protein product due to the creation of a premature termination codon in LRPPRC, a gene where loss-of-function variants are known to be pathogenic. Please note: this variant was assessed in the context of healthy population screening.

Labcorp Genetics (formerly Invitae), Labcorp
Classification: Pathogenic. Last evaluated: 2019-12-13. Review status: criteria provided, single submitter. Criteria: Invitae Variant Classification Sherloc (09022015). Collection method: clinical testing. Allele origin: germline.
Comment: This sequence change creates a premature translational stop signal (p.Gln1133*) in the LRPPRC gene. It is expected to result in an absent or disrupted protein product. This variant is not present in population databases (ExAC no frequency). For these reasons, this variant has been classified as Pathogenic. Loss-of-function variants in LRPPRC are known to be pathogenic (PMID: 26510951). This variant has not been reported in the literature in individuals with LRPPRC-related conditions.

Literature cited by the submitters: PubMed 26510951 (cited by Labcorp Genetics (formerly Invitae), Labcorp).

NM_133259.4(LRPPRC):c.3397C>T (p.Gln1133Ter)

Gene: LRPPRC (leucine rich pentatricopeptide repeat containing; minus strand). Cytogenetic location: 2p21.
Variant type: single nucleotide variant.
Coding change: c.3397C>T on transcript NM_133259.4 (MANE Select); coding-DNA position 3397, C replaced by T.
Protein change: p.Gln1133Ter; replaces glutamine 1133 with a stop codon.
Molecular consequence: nonsense.
Genome position (GRCh38, 1-based): chr2:43,901,492, G>A on the plus strand (C>T on the coding strand, the complement: LRPPRC is on the minus strand). VCF-style: chr2-43901492-G-A. GRCh37 (hg19) VCF-style: chr2-44128631-G-A.
Other names: short protein forms Q1133*.
Identifiers: ClinVar variation 834120 (VCV000834120.9), dbSNP rs1670884795, ClinGen allele CA346677920.